The following is an entry in ClinVar:

NM_001384474.1(LOXHD1):c.3390A>G (p.Glu1130=)

Gene: LOXHD1 (lipoxygenase homology PLAT domains 1; minus strand). Cytogenetic location: 18q21.1.
Variant type: single nucleotide variant.
Coding change: c.3390A>G on transcript NM_001384474.1 (MANE Select); coding-DNA position 3390, A replaced by G.
Protein change: p.Glu1130=; no amino-acid change (glutamic acid 1130 retained).
Molecular consequence: synonymous variant. On other transcripts: 5 prime UTR variant (1).
Genome position (GRCh38, 1-based): chr18:46,547,019, T>C on the plus strand (A>G on the coding strand, the complement: LOXHD1 is on the minus strand). VCF-style: chr18-46547019-T-C. GRCh37 (hg19) VCF-style: chr18-44126982-T-C.
Other names: c.57A>G, p.Glu19= (NM_001145472.3); c.-232A>G (NM_001308013.2); c.3390A>G, p.Glu1130= (NM_144612.7).
Identifiers: ClinVar variation 1157194 (VCV001157194.27), dbSNP rs368054666, ClinGen allele CA8952490.

ClinVar aggregate classification (germline): Likely benign. Review status: criteria provided, multiple submitters, no conflicts (2 of 4 stars). 2 submissions from 2 submitters: Likely benign (2). Last evaluated 2024-07-01.

Allele frequency attached by ClinVar (database versions not stated): gnomAD exomes below 0.00001; TOPMed 0.00001; gnomAD 0.00002; ESP Exome Variant Server 0.00022.
gnomAD v4.1: 9 of 1,551,652 alleles (0.00058%); highest among the groups gnomAD compares: Non-Finnish European, 0.00078%; no homozygotes.

Submissions (2):

CeGaT Center for Human Genetics Tuebingen
Classification: Likely benign. Last evaluated: 2024-07-01. Review status: criteria provided, single submitter. Criteria: CeGaT Center For Human Genetics Tuebingen Variant Classification Criteria Version 2. Collection method: clinical testing. Allele origin: germline. Affected: yes. Observed: 1 variant allele.
Comment: LOXHD1: BP4, BP7

Labcorp Genetics (formerly Invitae), Labcorp
Classification: Likely benign. Last evaluated: 2023-06-05. Review status: criteria provided, single submitter. Criteria: Invitae Variant Classification Sherloc (09022015). Collection method: clinical testing. Allele origin: germline.